The following is an entry in ClinVar:

NM_000257.4(MYH7):c.796+4A>G

Gene: MYH7 (myosin heavy chain 7; minus strand). Cytogenetic location: 14q11.2.
Variant type: single nucleotide variant.
Coding change: c.796+4A>G on transcript NM_000257.4 (MANE Select); 4 bases into the intron after coding-DNA position 796, A replaced by G.
Molecular consequence: intron variant.
Genome position (GRCh38, 1-based): chr14:23,431,414, T>C on the plus strand (A>G on the coding strand, the complement: MYH7 is on the minus strand). VCF-style: chr14-23431414-T-C. GRCh37 (hg19) VCF-style: chr14-23900623-T-C.
Identifiers: ClinVar variation 928068 (VCV000928068.3), dbSNP rs1892931557, ClinGen allele CA1139663379.

ClinVar aggregate classification (germline): Uncertain significance (1 of 4 stars; one submission).

Conditions:
Cardiomyopathy (CMYO). Also called: Cardiomyopathies. Identifiers: Orphanet 167848, MedGen C0878544, MONDO:0004994, HP:0001638. Inheritance: Various modes of inheritance.

Submission:

Color Diagnostics, LLC DBA Color Health
Classification: Uncertain significance for Cardiomyopathy. Last evaluated: 2019-07-27. Review status: criteria provided, single submitter. Criteria: ACMG Guidelines, 2015. Collection method: clinical testing. Allele origin: germline.
Comment: This variant is located in intron 9 of the MYH7 gene. Computational splicing tools predict that this variant may have a significant impact on RNA splicing. To our knowledge, functional assays have not been performed for this variant nor has this variant been reported in individuals affected with cardiovascular disorders in the literature. This variant has not been identified in the general population by the Genome Aggregation Database (gnomAD). Available evidence is insufficient to determine the role of this variant in disease conclusively. Therefore, this variant is classified as a Variant of Uncertain Significance.